The following is an entry in ClinVar:

ClinVar aggregate classification (germline): Uncertain significance (1 of 4 stars; one submission).

Conditions:
Hereditary cancer-predisposing syndrome. Also called: Tumor predisposition; Hereditary Cancer Syndrome; Hereditary neoplastic syndrome; Neoplastic Syndromes, Hereditary. Identifiers: Orphanet 140162, MedGen C0027672, MeSH D009386, MONDO:0015356.
Familial thoracic aortic aneurysm and aortic dissection (TAAD). Also called: Thoracic aortic aneurysms and dissections. Identifiers: Orphanet 91387, MedGen C4707243, MONDO:0019625.

Submission:

Ambry Genetics
Classification: Uncertain significance for Hereditary cancer-predisposing syndrome; Familial thoracic aortic aneurysm and aortic dissection. Last evaluated: 2025-11-19. Review status: criteria provided, single submitter. Criteria: Ambry Variant Classification Scheme 2023. Collection method: clinical testing. Allele origin: germline.
Comment: The p.P281R variant (also known as c.842C>G), located in coding exon 6 of the SMAD4 gene, results from a C to G substitution at nucleotide position 842. The proline at codon 281 is replaced by arginine, an amino acid with dissimilar properties. This amino acid position is well conserved in available vertebrate species. In addition, the in silico prediction for this alteration is inconclusive. Based on the available evidence, the clinical significance of this variant remains unclear.

NM_005359.6(SMAD4):c.842C>G (p.Pro281Arg)

Gene: SMAD4 (SMAD family member 4; plus strand). Cytogenetic location: 18q21.2.
Variant type: single nucleotide variant.
Coding change: c.842C>G on transcript NM_005359.6 (MANE Select); coding-DNA position 842, C replaced by G.
Protein change: p.Pro281Arg; replaces proline 281 with arginine.
Molecular consequence: missense variant. On other transcripts: non-coding transcript variant (2).
Genome position (GRCh38, 1-based): chr18:51,058,394, C>G. VCF-style: chr18-51058394-C-G. GRCh37 (hg19) VCF-style: chr18-48584764-C-G.
Other names: c.842C>G, p.Pro281Arg (NM_001407041.1, NM_001407042.1, NM_001407043.1); short protein forms P281R.
Identifiers: ClinVar variation 4559047 (VCV004559047.1).
Genomic context (GRCh38, chr18:51,058,394, plus strand): 5'-TTTTAGACAGCACTACCACCTGGACTGGAAGTAGGACTGCACCATACACACCTAATTTGC[C>G]TCACCACCAAAACGGCCATCTTCAGCACCACCCGCCTATGCCGCCCCATCCCGGACATTA-3'
Protein context (NP_005350.1, residues 271-291): SRTAPYTPNL[Pro281Arg]HHQNGHLQHH